The following is an entry in ClinVar:

ClinVar aggregate classification (germline): Uncertain significance (1 of 4 stars; one submission).

Conditions:
Cardiovascular phenotype. Identifiers: MedGen CN230736.

Submission:

Ambry Genetics
Classification: Uncertain significance for Cardiovascular phenotype. Last evaluated: 2026-08-29. Review status: criteria provided, single submitter. Criteria: Ambry Variant Classification Scheme 2023. Collection method: clinical testing. Allele origin: germline.
Comment: The p.Y47C variant (also known as c.140A>G), located in coding exon 2 of the SOS2 gene, results from an A to G substitution at nucleotide position 140. The tyrosine at codon 47 is replaced by cysteine, an amino acid with highly dissimilar properties. This amino acid position is conserved. In addition, this alteration is predicted to be deleterious by in silico analysis. Based on the available evidence, the clinical significance of this variant remains unclear.

NM_006939.4(SOS2):c.140A>G (p.Tyr47Cys)

Gene: SOS2 (SOS Ras/Rho guanine nucleotide exchange factor 2; minus strand). Cytogenetic location: 14q21.3.
Variant type: single nucleotide variant.
Coding change: c.140A>G on transcript NM_006939.4 (MANE Select); coding-DNA position 140, A replaced by G.
Protein change: p.Tyr47Cys; replaces tyrosine 47 with cysteine.
Molecular consequence: missense variant.
Genome position (GRCh38, 1-based): chr14:50,204,357, T>C on the plus strand (A>G on the coding strand, the complement: SOS2 is on the minus strand). VCF-style: chr14-50204357-T-C. GRCh37 (hg19) VCF-style: chr14-50671075-T-C.
Other names: c.140A>G, p.Tyr47Cys (NM_001411020.1); short protein forms Y47C.
Identifiers: ClinVar variation 5030038 (VCV005030038.1).